The following is an entry in ClinVar:

ClinVar aggregate classification (germline): Pathogenic/Likely pathogenic. Review status: criteria provided, multiple submitters, no conflicts (2 of 4 stars). 4 submissions from 4 submitters: Pathogenic (3); Likely pathogenic (1). Last evaluated 2025-11-19.

Conditions:
Ehlers-Danlos syndrome, classic type, 1 (EDSCL1). Also called: EHLERS-DANLOS SYNDROME, GRAVIS TYPE; EHLERS-DANLOS SYNDROME, SEVERE CLASSIC TYPE; EDS I; Ehlers-Danlos Syndrome, Classic Type, COL5A1-Related; Ehlers-Danlos syndrome, type 1. Identifiers: MedGen C0268335, MONDO:0019567, OMIM 130000.
Osteogenesis imperfecta type I (OI1). Also called: OI, TYPE I; OSTEOGENESIS IMPERFECTA TARDA; OSTEOGENESIS IMPERFECTA WITH BLUE SCLERAE; Classic Non-deforming Osteogenesis Imperfecta with Blue Sclerae; Lobstein disease; Osteogenesis imperfecta type 1. Identifiers: Orphanet 216796, Orphanet 666, MedGen C0023931, MONDO:0008146, OMIM 166200. Disease mechanism: loss of function.
Inborn genetic diseases. Identifiers: MedGen C0950123, MeSH D030342.
COL1A2-related disorder. Also called: COL1A2-Related Disorders; COL1A2-related condition.

Submissions (4):

3billion
Classification: Pathogenic for COL1A2-related disorder. Last evaluated: 2025-11-19. Review status: criteria provided, single submitter. Criteria: ACMG Guidelines, 2015. Collection method: clinical testing. Allele origin: germline. Affected: yes.
Comment: The variant is not observed in the gnomAD v4.1.0 dataset. Predicted Consequence/Location: Canonical splice site: predicted to alter splicing and result in a loss or disruption of normal protein function. Multiple pathogenic loss-of-function variants are reported downstream of the variant. In silico tools predict the variant to alter splicing and produce an abnormal transcript [SpliceAI: 1.00 (spliceogenicity >=0.2, non-spliceogenicity <0.1)]. The variant has been reported at least twice as pathogenic without evidence for the classification (ClinVar ID: VCV000449890 /PMID: 30886339). Therefore, this variant is classified as Pathogenic according to the recommendation of ACMG/AMP guideline.

Labcorp Genetics (formerly Invitae), Labcorp
Classification: Pathogenic for Osteogenesis imperfecta type I; Ehlers-Danlos syndrome, classic type, 1. Last evaluated: 2025-09-26. Review status: criteria provided, single submitter. Criteria: Invitae Variant Classification Sherloc (09022015). Collection method: clinical testing. Allele origin: germline.
Comment: This sequence change affects a donor splice site in intron 9 of the COL1A2 gene. It is expected to disrupt RNA splicing. Variants that disrupt the donor or acceptor splice site typically lead to a loss of protein function (PMID: 16199547), and loss-of-function variants in COL1A2 are known to be pathogenic (PMID: 11288717, 15077201). This variant is not present in population databases (gnomAD no frequency). Disruption of this splice site has been observed in individual(s) with clinical features of COL1A2-related conditions (internal data). In at least one individual the variant was observed to be de novo. ClinVar contains an entry for this variant (Variation ID: 449890). Algorithms developed to predict the effect of sequence changes on RNA splicing suggest that this variant may disrupt the consensus splice site. For these reasons, this variant has been classified as Pathogenic.

GeneDx
Classification: Likely pathogenic. Last evaluated: 2017-03-21. Review status: criteria provided, single submitter. Criteria: GeneDx Variant Classification (06012015). Collection method: clinical testing. Allele origin: germline. Affected: yes.
Comment: The c.432+1 G>A likely pathogenic variant in the COL1A2 gene has not been reported as pathogenic or benign to our knowledge. This variant destroys the canonical splice donor site of intron nine and is predicted to cause skipping of exon nine, although it does not result in a shift in reading frame or a premature stop codon. Many other canonical splice site variants in the COL1A2 gene have been reported in HGMD (Stenson et al., 2014). Furthermore, c.432+1 G>A is not observed in large population cohorts (Lek et al., 2016; 1000 Genomes Consortium et al., 2015; Exome Variant Server).

Ambry Genetics
Classification: Pathogenic for Inborn genetic diseases. Last evaluated: 2016-12-03. Review status: criteria provided, single submitter. Criteria: Ambry exome assertion method (8-5-2015). Collection method: clinical testing. Allele origin: germline. Affected: yes. Observed: 1 variant allele.

Literature cited by the submitters: PubMed 30886339 (cited by 3billion); PubMed 16199547 (cited by Labcorp Genetics (formerly Invitae), Labcorp); PubMed 11288717 (cited by Labcorp Genetics (formerly Invitae), Labcorp); PubMed 15077201 (cited by Labcorp Genetics (formerly Invitae), Labcorp).

NM_000089.4(COL1A2):c.432+1G>A

Gene: COL1A2 (collagen type I alpha 2 chain; plus strand). Cytogenetic location: 7q21.3.
Variant type: single nucleotide variant.
Coding change: c.432+1G>A on transcript NM_000089.4 (MANE Select); the canonical splice donor site of the intron after coding-DNA position 432, G replaced by A.
Molecular consequence: splice donor variant.
Genome position (GRCh38, 1-based): chr7:94,404,893, G>A. VCF-style: chr7-94404893-G-A. GRCh37 (hg19) VCF-style: chr7-94034205-G-A.
Identifiers: ClinVar variation 449890 (VCV000449890.17), dbSNP rs1554395431, ClinGen allele CA368219747.